The following is an entry in ClinVar:

NM_173495.3(PTCHD1):c.2359G>A (p.Val787Ile)

Gene: PTCHD1 (patched domain containing 1; plus strand). Cytogenetic location: Xp22.11.
Variant type: single nucleotide variant.
Coding change: c.2359G>A on transcript NM_173495.3 (MANE Select); coding-DNA position 2359, G replaced by A.
Protein change: p.Val787Ile; replaces valine 787 with isoleucine.
Molecular consequence: missense variant.
Genome position (GRCh38, 1-based): chrX:23,393,877, G>A. VCF-style: chrX-23393877-G-A. GRCh37 (hg19) VCF-style: chrX-23411994-G-A.
Other names: short protein forms V787I.
Identifiers: ClinVar variation 4983985 (VCV004983985.1).

ClinVar aggregate classification (germline): Uncertain significance (1 of 4 stars; one submission).

Conditions:
PTCHD1-related disorder. Also called: PTCHD1-related condition.

gnomAD v4.1: 2 of 1,211,563 alleles (0.00017%); highest among the groups gnomAD compares: Non-Finnish European, 0.00022%; no homozygotes.

Submission:

PreventionGenetics, part of Exact Sciences
Classification: Uncertain significance for PTCHD1-related condition. Last evaluated: 2025-05-14. Review status: criteria provided, single submitter. Criteria: ACMG Guidelines, 2015. Collection method: clinical testing. Allele origin: germline.
Comment: The PTCHD1 c.2359G>A variant is predicted to result in the amino acid substitution p.Val787Ile. To our knowledge, this variant has not been reported in the literature. This variant is reported in 0.0012% of alleles in individuals of European (non-Finnish) descent in gnomAD. At this time, the clinical significance of this variant is uncertain due to the absence of conclusive functional and genetic evidence.